The following is an entry in ClinVar:

ClinVar aggregate classification (germline): Uncertain significance (1 of 4 stars; one submission).

Conditions:
Dilated cardiomyopathy 1JJ (CMD1JJ). Identifiers: Orphanet 154, MedGen C3808935, MONDO:0014095, OMIM 615235.

Submission:

Labcorp Genetics (formerly Invitae), Labcorp
Classification: Uncertain significance for Dilated cardiomyopathy 1JJ. Last evaluated: 2025-12-24. Review status: criteria provided, single submitter. Criteria: Invitae Variant Classification Sherloc (09022015). Collection method: clinical testing. Allele origin: germline.
Comment: This sequence change creates a premature translational stop signal (p.Ser576Alafs*4) in the LAMA4 gene. It is expected to result in an absent or disrupted protein product. However, the current clinical and genetic evidence is not sufficient to establish whether loss-of-function variants in LAMA4 cause disease. This variant is not present in population databases (gnomAD no frequency). This variant has not been reported in the literature in individuals affected with LAMA4-related conditions. In summary, the available evidence is currently insufficient to determine the role of this variant in disease. Therefore, it has been classified as a Variant of Uncertain Significance.

NM_001105206.3(LAMA4):c.1747del (p.Ser583fs)

Gene: LAMA4 (laminin subunit alpha 4; minus strand). Cytogenetic location: 6q21.
Variant type: Deletion.
Coding change: c.1747del on transcript NM_001105206.3 (MANE Select); coding-DNA position 1747, one base deleted (A; older notation c.1747delA).
Protein change: p.Ser583fs; shifts the reading frame from serine 583.
Molecular consequence: frameshift variant.
Genome position (GRCh38, 1-based): chr6:112,158,802, T deleted on the plus strand (A on the coding strand, the reverse complement: LAMA4 is on the minus strand). VCF-style (leftmost placement, unchanged base first): chr6-112158801-CT-C. GRCh37 (hg19) VCF-style: chr6-112480003-CT-C.
Other names: c.1726del, p.Ser576fs (NM_001105207.3, NM_002290.5); short protein forms S583fs, S576fs.
Identifiers: ClinVar variation 4753962 (VCV004753962.1).